The following is an entry in ClinVar:

ClinVar aggregate classification (germline): Uncertain significance (1 of 4 stars; one submission).

Conditions:
Combined immunodeficiency due to ORAI1 deficiency. Also called: IMMUNODEFICIENCY 9. Identifiers: Orphanet 169090, Orphanet 317428, MedGen C2748568, MONDO:0013007, OMIM 612782.
Myopathy, tubular aggregate, 2 (TAM2). Identifiers: MedGen C4014557, MONDO:0014383, OMIM 615883.

Submission:

Labcorp Genetics (formerly Invitae), Labcorp
Classification: Uncertain significance for Myopathy, tubular aggregate, 2; Combined immunodeficiency due to ORAI1 deficiency. Last evaluated: 2023-01-04. Review status: criteria provided, single submitter. Criteria: Invitae Variant Classification Sherloc (09022015). Collection method: clinical testing. Allele origin: germline.
Comment: This sequence change replaces serine, which is neutral and polar, with phenylalanine, which is neutral and non-polar, at codon 48 of the ORAI1 protein (p.Ser48Phe). This variant is not present in population databases (gnomAD no frequency). This variant has not been reported in the literature in individuals affected with ORAI1-related conditions. ClinVar contains an entry for this variant (Variation ID: 1479533). Experimental studies and prediction algorithms are not available or were not evaluated, and the functional significance of this variant is currently unknown. In summary, the available evidence is currently insufficient to determine the role of this variant in disease. Therefore, it has been classified as a Variant of Uncertain Significance.

NC_000012.12:g.121626890C>T

Genes: ORAI1 (ORAI calcium release-activated calcium modulator 1; plus strand), LOC130008987 (ATAC-STARR-seq lymphoblastoid silent region 4981; plus strand). Cytogenetic location: 12q24.31.
Variant type: single nucleotide variant.
Genome position: GRCh38 VCF-style: chr12-121626890-C-T. GRCh37 (hg19) VCF-style: chr12-122064796-C-T.
Other names: c.143C>T, p.Ser48Phe (NM_032790.4); short protein forms S48F.
Identifiers: ClinVar variation 1479533 (VCV001479533.6), dbSNP rs2136841806, ClinGen allele CA386980826.